The following is an entry in ClinVar:

NM_020320.5(RARS2):c.688T>C (p.Leu230=)

Gene: RARS2 (arginyl-tRNA synthetase 2, mitochondrial; minus strand). Cytogenetic location: 6q15.
Variant type: single nucleotide variant.
Coding change: c.688T>C on transcript NM_020320.5 (MANE Select); coding-DNA position 688, T replaced by C.
Protein change: p.Leu230=; no amino-acid change (leucine 230 retained).
Molecular consequence: synonymous variant. On other transcripts: non-coding transcript variant (23).
Genome position (GRCh38, 1-based): chr6:87,530,867, A>G on the plus strand (T>C on the coding strand, the complement: RARS2 is on the minus strand). VCF-style: chr6-87530867-A-G. GRCh37 (hg19) VCF-style: chr6-88240585-A-G.
Other names: c.163T>C, p.Leu55= (NM_001318785.2, NM_001350506.2, NM_001350507.2 and 4 more transcripts); c.688T>C, p.Leu230= (NM_001350505.2).
Identifiers: ClinVar variation 510581 (VCV000510581.12), dbSNP rs781045597, ClinGen allele CA3916550.

ClinVar aggregate classification (germline): Likely benign. Review status: criteria provided, multiple submitters, no conflicts (2 of 4 stars). 3 submissions from 3 submitters: Likely benign (3). Last evaluated 2025-11-16.

Allele frequency attached by ClinVar (database versions not stated): ExAC 0.00001; gnomAD 0.00001; gnomAD exomes 0.00001 and 0.00002; TOPMed 0.00001.
gnomAD v4.1: 18 of 1,614,074 alleles (0.0011%); highest among the groups gnomAD compares: Middle Eastern, 0.12%; no homozygotes.

Submissions (3):

Labcorp Genetics (formerly Invitae), Labcorp
Classification: Likely benign. Last evaluated: 2025-11-16. Review status: criteria provided, single submitter. Criteria: Invitae Variant Classification Sherloc (09022015). Collection method: clinical testing. Allele origin: germline.

Blueprint Genetics
Classification: Likely benign. Last evaluated: 2024-06-12. Review status: criteria provided, single submitter. Criteria: ACMG Guidelines, 2015. Collection method: clinical testing. Allele origin: germline.

GeneDx
Classification: Likely benign. Last evaluated: 2017-07-17. Review status: criteria provided, single submitter. Criteria: GeneDx Variant Classification (06012015). Collection method: clinical testing. Allele origin: germline. Affected: yes.
Comment: This variant is considered likely benign or benign based on one or more of the following criteria: it is a conservative change, it occurs at a poorly conserved position in the protein, it is predicted to be benign by multiple in silico algorithms, and/or has population frequency not consistent with disease.